The following is an entry in ClinVar:

NM_033380.3(COL4A5):c.3041C>G (p.Pro1014Arg)

Gene: COL4A5 (collagen type IV alpha 5 chain; plus strand). Cytogenetic location: Xq22.3.
Variant type: single nucleotide variant.
Coding change: c.3041C>G on transcript NM_033380.3 (MANE Select); coding-DNA position 3041, C replaced by G.
Protein change: p.Pro1014Arg; replaces proline 1014 with arginine.
Molecular consequence: missense variant.
Genome position (GRCh38, 1-based): chrX:108,625,729, C>G. VCF-style: chrX-108625729-C-G. GRCh37 (hg19) VCF-style: chrX-107868959-C-G.
Other names: c.3041C>G, p.Pro1014Arg (NM_000495.5); c.3041C>G (NM_000495.3); short protein forms P1014R.
Identifiers: ClinVar variation 2166888 (VCV002166888.3), dbSNP rs1407970012, ClinGen allele CA413854532.

ClinVar aggregate classification (germline): Uncertain significance. Review status: criteria provided, multiple submitters, no conflicts (2 of 4 stars). 2 submissions from 2 submitters: Uncertain significance (2). Last evaluated 2023-06-01.

Conditions:
Inborn genetic diseases. Identifiers: MedGen C0950123, MeSH D030342.

Allele frequency attached by ClinVar (database versions not stated): TOPMed below 0.00001; gnomAD exomes 0.00002.
gnomAD v4.1: 24 of 1,207,038 alleles (0.002%); highest among the groups gnomAD compares: Non-Finnish European, 0.0026%; no homozygotes.

Submissions (2):

Ambry Genetics
Classification: Uncertain significance for Inborn genetic diseases. Last evaluated: 2023-06-01. Review status: criteria provided, single submitter. Criteria: Ambry Variant Classification Scheme 2023. Collection method: clinical testing. Allele origin: germline.

Labcorp Genetics (formerly Invitae), Labcorp
Classification: Uncertain significance. Last evaluated: 2021-11-28. Review status: criteria provided, single submitter. Criteria: Invitae Variant Classification Sherloc (09022015). Collection method: clinical testing. Allele origin: germline.
Comment: This sequence change replaces proline, which is neutral and non-polar, with arginine, which is basic and polar, at codon 1014 of the COL4A5 protein (p.Pro1014Arg). This variant is not present in population databases (gnomAD no frequency). This variant has not been reported in the literature in individuals affected with COL4A5-related conditions. Advanced modeling of protein sequence and biophysical properties (such as structural, functional, and spatial information, amino acid conservation, physicochemical variation, residue mobility, and thermodynamic stability) performed at Invitae indicates that this missense variant is not expected to disrupt COL4A5 protein function. In summary, the available evidence is currently insufficient to determine the role of this variant in disease. Therefore, it has been classified as a Variant of Uncertain Significance.